The following is an entry in ClinVar:

ClinVar aggregate classification (germline): Uncertain significance (1 of 4 stars; one submission).

Allele frequency attached by ClinVar (database versions not stated): ExAC 0.00002.
gnomAD v4.1: 9 of 1,614,202 alleles (0.00056%); highest among the groups gnomAD compares: Non-Finnish European, 0.00076%; no homozygotes.

Submission:

Labcorp Genetics (formerly Invitae), Labcorp
Classification: Uncertain significance. Last evaluated: 2023-07-09. Review status: criteria provided, single submitter. Criteria: Invitae Variant Classification Sherloc (09022015). Collection method: clinical testing. Allele origin: germline.
Comment: This variant has not been reported in the literature in individuals affected with GLIS3-related conditions. In summary, the available evidence is currently insufficient to determine the role of this variant in disease. Therefore, it has been classified as a Variant of Uncertain Significance. An algorithm developed to predict the effect of missense changes on protein structure and function (PolyPhen-2) suggests that this variant is likely to be tolerated. ClinVar contains an entry for this variant (Variation ID: 1716979). This variant is present in population databases (rs768977643, gnomAD 0.0009%). This sequence change replaces threonine, which is neutral and polar, with arginine, which is basic and polar, at codon 637 of the GLIS3 protein (p.Thr637Arg).

NM_001042413.2(GLIS3):c.2375C>G (p.Thr792Arg)

Gene: GLIS3 (GLIS family zinc finger 3; minus strand). Cytogenetic location: 9p24.2.
Variant type: single nucleotide variant.
Coding change: c.2375C>G on transcript NM_001042413.2 (MANE Select); coding-DNA position 2375, C replaced by G.
Protein change: p.Thr792Arg; replaces threonine 792 with arginine.
Molecular consequence: missense variant.
Genome position (GRCh38, 1-based): chr9:3,856,107, G>C on the plus strand (C>G on the coding strand, the complement: GLIS3 is on the minus strand). VCF-style: chr9-3856107-G-C. GRCh37 (hg19) VCF-style: chr9-3856107-G-C.
Other names: c.1910C>G, p.Thr637Arg (NM_152629.4); short protein forms T637R, T792R.
Identifiers: ClinVar variation 1716979 (VCV001716979.5), dbSNP rs768977643, ClinGen allele CA4967815.